The following is an entry in ClinVar:

ClinVar aggregate classification (germline): Pathogenic (1 of 4 stars; one submission).

Conditions:
Vici syndrome (VICIS). Identifiers: Orphanet 1493, MedGen C1855772, MONDO:0009452, OMIM 242840.

Submission:

Labcorp Genetics (formerly Invitae), Labcorp
Classification: Pathogenic for Vici syndrome. Last evaluated: 2024-11-16. Review status: criteria provided, single submitter. Criteria: Invitae Variant Classification Sherloc (09022015). Collection method: clinical testing. Allele origin: germline.
Comment: This sequence change creates a premature translational stop signal (p.Trp1774Cysfs*5) in the EPG5 gene. It is expected to result in an absent or disrupted protein product. Loss-of-function variants in EPG5 are known to be pathogenic (PMID: 23222957, 23674064). This variant is not present in population databases (gnomAD no frequency). This variant has not been reported in the literature in individuals affected with EPG5-related conditions. For these reasons, this variant has been classified as Pathogenic.

Literature cited by the submitters: PubMed 23222957; PubMed 23674064.

NM_020964.3(EPG5):c.5322_5323del (p.Trp1774fs)

Gene: EPG5 (ectopic P-granules 5 autophagy tethering factor; minus strand). Cytogenetic location: 18q12.3.
Variant type: Deletion.
Coding change: c.5322_5323del on transcript NM_020964.3 (MANE Select); coding-DNA positions 5322 to 5323, 2 bases deleted (GT; older notation c.5322_5323delGT).
Protein change: p.Trp1774fs; shifts the reading frame from tryptophan 1774.
Molecular consequence: frameshift variant.
Genome position (GRCh38, 1-based): chr18:45,882,469-45,882,470, AC deleted on the plus strand (GT on the coding strand, the reverse complement: EPG5 is on the minus strand). VCF-style (leftmost placement, unchanged base first): chr18-45882468-AAC-A. GRCh37 (hg19) VCF-style: chr18-43462433-AAC-A.
Other names: c.5322_5323del, p.Trp1774fs (NM_001410858.1, NM_001410859.1); short protein forms W1774fs.
Identifiers: ClinVar variation 3725417 (VCV003725417.2).
Genomic context (GRCh38, chr18:45,882,468, plus strand): 5'-GCCAAGTGAATGGACTCCAGAAGCCTGGTACGATCAGACAGAGGAGGTTTAGTGGCGCTT[AAC>A]CATTGTTTAAGATCGAACTAAAAAGAAAAAGAAACAAAAAGCCGTTTTATTTGCACTAGA-3'